The following is an entry in ClinVar:

NM_001127222.2(CACNA1A):c.2958_2959dup (p.Arg987fs)

Gene: CACNA1A (calcium voltage-gated channel subunit alpha1 A; minus strand). Cytogenetic location: 19p13.13.
Variant type: Duplication.
Coding change: c.2958_2959dup on transcript NM_001127222.2 (MANE Select); coding-DNA positions 2958 to 2959, 2 bases duplicated (CC; older notation c.2958_2959dupCC).
Protein change: p.Arg987fs; shifts the reading frame from arginine 987.
Molecular consequence: frameshift variant.
Genome position (GRCh38, 1-based): chr19:13,298,674-13,298,675, GG duplicated on the plus strand (CC on the coding strand, the reverse complement: CACNA1A is on the minus strand); duplicating any 2 consecutive bases within chr19:13,298,674-13,298,676 gives the same sequence; the c. name uses the placement nearest the transcript's 3' end. VCF-style (leftmost placement, unchanged base first): chr19-13298673-C-CGG. GRCh37 (hg19) VCF-style: chr19-13409487-C-CGG.
Other names: c.2970_2971dup, p.Arg991fs (NM_000068.4, NM_023035.3); c.2961_2962dup, p.Arg988fs (NM_001127221.2, NM_001174080.2); c.2961_2962dupCC (NM_001127221.1); short protein forms R988fs, R991fs, R987fs.
Identifiers: ClinVar variation 451238 (VCV000451238.2), dbSNP rs1555755878, ClinGen allele CA658658786.

ClinVar aggregate classification (germline): Pathogenic/Likely pathogenic. Review status: criteria provided, multiple submitters, no conflicts (2 of 4 stars). 2 submissions from 2 submitters: Pathogenic (1); Likely pathogenic (1). Last evaluated 2018-08-30.

Conditions:
Spinocerebellar ataxia type 6 (SCA6). Identifiers: Orphanet 98758, MedGen C0752124, MONDO:0008457, OMIM 183086.

Submissions (2):

Baylor Genetics
Classification: Likely pathogenic for Spinocerebellar ataxia type 6. Last evaluated: 2018-08-30. Review status: criteria provided, single submitter. Criteria: ACMG Guidelines, 2015. Collection method: clinical testing. Allele origin: unknown. Affected: yes.
Comment: This variant was determined to be likely pathogenic according to ACMG Guidelines, 2015 [PMID:25741868].

GeneDx
Classification: Pathogenic. Last evaluated: 2017-08-02. Review status: criteria provided, single submitter. Criteria: GeneDx Variant Classification (06012015). Collection method: clinical testing. Allele origin: germline. Affected: yes.
Comment: The c.2961_2962dupCC variant in the CACNA1A gene has not been reported previously as a pathogenic variant nor as a benign variant, to our knowledge. This variant causes a frameshift starting with codon Arginine 988, changes this amino acid to a Proline residue, and creates a premature Stop codon at position 83 of the new reading frame, denoted p.Arg988ProfsX83. This variant is predicted to cause loss of normal protein function either through protein truncation or nonsense-mediated mRNA decay. Adequate data is not available in large population cohorts to assess the frequency of the c.2961_2962dupCC variant in publicly available databases; however, this variant has not been detected in presumably healthy individuals tested at GeneDx. We interpret c.2961_2962dupCC as a pathogenic variant.